The following is an entry in ClinVar:

NM_000081.4(LYST):c.4498_4502del (p.Arg1500fs)

Gene: LYST (lysosomal trafficking regulator; minus strand). Cytogenetic location: 1q42.3.
Variant type: Microsatellite.
Coding change: c.4498_4502del on transcript NM_000081.4 (MANE Select); coding-DNA positions 4498 to 4502, 5 bases deleted (AGAAA; older notation c.4498_4502delAGAAA).
Protein change: p.Arg1500fs; shifts the reading frame from arginine 1500.
Molecular consequence: frameshift variant.
Genome position (GRCh38, 1-based): chr1:235,791,740-235,791,744, TTTCT deleted on the plus strand (AGAAA on the coding strand, the reverse complement: LYST is on the minus strand); deleting any 5 consecutive bases within chr1:235,791,740-235,791,751 gives the same sequence; the c. name uses the placement nearest the transcript's 3' end. VCF-style (leftmost placement, unchanged base first): chr1-235791739-GTTTCT-G. GRCh37 (hg19) VCF-style: chr1-235955039-GTTTCT-G.
Other names: c.4498_4502del, p.Arg1500fs (NM_001301365.1); short protein forms R1500fs.
Identifiers: ClinVar variation 2833857 (VCV002833857.3), dbSNP rs2526906935, ClinGen allele CA2739273962.

ClinVar aggregate classification (germline): Pathogenic (1 of 4 stars; one submission).

Conditions:
Chédiak-Higashi syndrome (CHS). Also called: Chediak-Higashi Syndrome. Identifiers: Orphanet 167, MedGen C0007965, MONDO:0008963, OMIM 214500.

Submission:

Labcorp Genetics (formerly Invitae), Labcorp
Classification: Pathogenic for Chédiak-Higashi syndrome. Last evaluated: 2023-02-02. Review status: criteria provided, single submitter. Criteria: Invitae Variant Classification Sherloc (09022015). Collection method: clinical testing. Allele origin: germline.
Comment: For these reasons, this variant has been classified as Pathogenic. This variant has not been reported in the literature in individuals affected with LYST-related conditions. This variant is not present in population databases (gnomAD no frequency). This sequence change creates a premature translational stop signal (p.Arg1500Glnfs*8) in the LYST gene. It is expected to result in an absent or disrupted protein product. Loss-of-function variants in LYST are known to be pathogenic (PMID: 9215679, 11857544).

Literature cited by the submitters: PubMed 9215679; PubMed 11857544.